The following is an entry in ClinVar:

NM_018124.4(RFWD3):c.1746G>T (p.Gln582His)

Gene: RFWD3 (ring finger and WD repeat domain 3; minus strand). Cytogenetic location: 16q23.1.
Variant type: single nucleotide variant.
Coding change: c.1746G>T on transcript NM_018124.4 (MANE Select); coding-DNA position 1746, G replaced by T.
Protein change: p.Gln582His; replaces glutamine 582 with histidine.
Molecular consequence: missense variant. On other transcripts: intron variant (1).
Genome position (GRCh38, 1-based): chr16:74,630,789, C>A on the plus strand (G>T on the coding strand, the complement: RFWD3 is on the minus strand). VCF-style: chr16-74630789-C-A. GRCh37 (hg19) VCF-style: chr16-74664687-C-A.
Other names: c.1746G>T, p.Gln582His (NM_001370534.1, NM_001370535.1); c.912G>T, p.Gln304His (NM_001370537.1, NM_001370539.1, NM_001370540.1 and 2 more transcripts); c.1577+1734G>T (NM_001370536.1); short protein forms Q304H, Q582H.
Identifiers: ClinVar variation 3642201 (VCV003642201.2).

ClinVar aggregate classification (germline): Uncertain significance (1 of 4 stars; one submission).

Submission:

Labcorp Genetics (formerly Invitae), Labcorp
Classification: Uncertain significance. Last evaluated: 2024-02-27. Review status: criteria provided, single submitter. Criteria: Invitae Variant Classification Sherloc (09022015). Collection method: clinical testing. Allele origin: germline.
Comment: This sequence change replaces glutamine, which is neutral and polar, with histidine, which is basic and polar, at codon 582 of the RFWD3 protein (p.Gln582His). This variant is not present in population databases (gnomAD no frequency). This variant has not been reported in the literature in individuals affected with RFWD3-related conditions. An algorithm developed to predict the effect of missense changes on protein structure and function (PolyPhen-2) suggests that this variant is likely to be disruptive. In summary, the available evidence is currently insufficient to determine the role of this variant in disease. Therefore, it has been classified as a Variant of Uncertain Significance.